The following is an entry in ClinVar:

NM_032578.4(MYPN):c.707G>A (p.Arg236His)

Gene: MYPN (myopalladin; plus strand). Cytogenetic location: 10q21.3.
Variant type: single nucleotide variant.
Coding change: c.707G>A on transcript NM_032578.4 (MANE Select); coding-DNA position 707, G replaced by A.
Protein change: p.Arg236His; replaces arginine 236 with histidine.
Molecular consequence: missense variant. On other transcripts: 5 prime UTR variant (1), non-coding transcript variant (1).
Genome position (GRCh38, 1-based): chr10:68,122,145, G>A. VCF-style: chr10-68122145-G-A. GRCh37 (hg19) VCF-style: chr10-69881902-G-A.
Other names: c.707G>A, p.Arg236His (NM_001256267.2); c.-416G>A (NM_001256268.2); short protein forms R236H.
Identifiers: ClinVar variation 1757037 (VCV001757037.2), dbSNP rs764613441, ClinGen allele CA5522313.

ClinVar aggregate classification (germline): Uncertain significance (1 of 4 stars; one submission).

Conditions:
Cardiovascular phenotype. Identifiers: MedGen CN230736.

Allele frequency attached by ClinVar (database versions not stated): ExAC 0.00001.
gnomAD v4.1: 9 of 1,613,220 alleles (0.00056%); highest among the groups gnomAD compares: South Asian, 0.0055%; no homozygotes.

Submission:

Ambry Genetics
Classification: Uncertain significance for Cardiovascular phenotype. Last evaluated: 2019-03-10. Review status: criteria provided, single submitter. Criteria: Ambry Variant Classification Scheme 2023. Collection method: clinical testing. Allele origin: germline.
Comment: The p.R236H variant (also known as c.707G>A), located in coding exon 1 of the MYPN gene, results from a G to A substitution at nucleotide position 707. The arginine at codon 236 is replaced by histidine, an amino acid with highly similar properties. This amino acid position is not well conserved in available vertebrate species. In addition, this alteration is predicted to be tolerated by in silico analysis. Since supporting evidence is limited at this time, the clinical significance of this alteration remains unclear.